The following is an entry in ClinVar:

ClinVar aggregate classification (germline): Uncertain significance (1 of 4 stars; one submission).

Conditions:
CHARGE syndrome (CHARGE). Also called: Hittner Hirsch Kreh syndrome; CHARGE ASSOCIATION--COLOBOMA, HEART ANOMALY, CHOANAL ATRESIA, RETARDATION, GENITAL AND EAR ANOMALIES; Coloboma, heart anomaly, choanal atresia, retardation, genital and ear anomalies; CHARGE association; Hall-Hittner syndrome. Identifiers: Orphanet 138, MedGen C0265354, MONDO:0008965.

Submission:

Labcorp Genetics (formerly Invitae), Labcorp
Classification: Uncertain significance for CHARGE syndrome. Last evaluated: 2024-10-28. Review status: criteria provided, single submitter. Criteria: Invitae Variant Classification Sherloc (09022015). Collection method: clinical testing. Allele origin: germline.
Comment: This sequence change replaces glutamine, which is neutral and polar, with glutamic acid, which is acidic and polar, at codon 1701 of the CHD7 protein (p.Gln1701Glu). This variant is not present in population databases (gnomAD no frequency). This variant has not been reported in the literature in individuals affected with CHD7-related conditions. Invitae Evidence Modeling of protein sequence and biophysical properties (such as structural, functional, and spatial information, amino acid conservation, physicochemical variation, residue mobility, and thermodynamic stability) indicates that this missense variant is not expected to disrupt CHD7 protein function with a negative predictive value of 95%. In summary, the available evidence is currently insufficient to determine the role of this variant in disease. Therefore, it has been classified as a Variant of Uncertain Significance.

NM_017780.4(CHD7):c.5101C>G (p.Gln1701Glu)

Gene: CHD7 (chromodomain helicase DNA binding protein 7; plus strand). Cytogenetic location: 8q12.2.
Variant type: single nucleotide variant.
Coding change: c.5101C>G on transcript NM_017780.4 (MANE Select); coding-DNA position 5101, C replaced by G.
Protein change: p.Gln1701Glu; replaces glutamine 1701 with glutamic acid.
Molecular consequence: missense variant. On other transcripts: intron variant (1).
Genome position (GRCh38, 1-based): chr8:60,845,300, C>G. VCF-style: chr8-60845300-C-G. GRCh37 (hg19) VCF-style: chr8-61757859-C-G.
Other names: c.1717-16929C>G (NM_001316690.1); short protein forms Q1701E.
Identifiers: ClinVar variation 3611264 (VCV003611264.2).